The following is an entry in ClinVar:

ClinVar aggregate classification (germline): Likely benign (0 of 4 stars; one submission).

Conditions:
TBX3-related disorder. Also called: TBX3-related condition.

Allele frequency attached by ClinVar (database versions not stated): TOPMed below 0.00001; gnomAD 0.00003; gnomAD exomes 0.00004; ExAC 0.00025.
gnomAD v4.1: 67 of 1,549,096 alleles (0.0043%); highest among the groups gnomAD compares: South Asian, 0.06%; no homozygotes.

Submission:

PreventionGenetics, part of Exact Sciences
Classification: Likely benign for TBX3-related condition. Last evaluated: 2021-12-23. Review status: no assertion criteria provided. Collection method: clinical testing. Allele origin: germline.
Comment: This variant is classified as likely benign based on ACMG/AMP sequence variant interpretation guidelines (Richards et al. 2015 PMID: 25741868, with internal and published modifications).

NM_005996.4(TBX3):c.1449C>T (p.Phe483=)

Gene: TBX3 (T-box transcription factor 3; minus strand). Cytogenetic location: 12q24.21.
Variant type: single nucleotide variant.
Coding change: c.1449C>T on transcript NM_005996.4 (MANE Select); coding-DNA position 1449, C replaced by T.
Protein change: p.Phe483=; no amino-acid change (phenylalanine 483 retained).
Molecular consequence: synonymous variant.
Genome position (GRCh38, 1-based): chr12:114,674,426, G>A on the plus strand (C>T on the coding strand, the complement: TBX3 is on the minus strand). VCF-style: chr12-114674426-G-A. GRCh37 (hg19) VCF-style: chr12-115112231-G-A.
Other names: c.1509C>T, p.Phe503= (NM_016569.4).
Identifiers: ClinVar variation 3059281 (VCV003059281.2), dbSNP rs752403004, ClinGen allele CA6809917.